The following is an entry in ClinVar:

ClinVar aggregate classification (germline): Uncertain significance (1 of 4 stars; one submission).

Submission:

Labcorp Genetics (formerly Invitae), Labcorp
Classification: Uncertain significance. Last evaluated: 2021-01-27. Review status: criteria provided, single submitter. Criteria: Invitae Variant Classification Sherloc (09022015). Collection method: clinical testing. Allele origin: germline.
Comment: In summary, the available evidence is currently insufficient to determine the role of this variant in disease. Therefore, it has been classified as a Variant of Uncertain Significance. Nucleotide substitutions within the consensus splice site are a relatively common cause of aberrant splicing (PMID: 17576681, 9536098). Algorithms developed to predict the effect of sequence changes on RNA splicing suggest that this variant may disrupt the consensus splice site, but this prediction has not been confirmed by published transcriptional studies. This variant has not been reported in the literature in individuals with TCF3-related conditions. This variant is not present in population databases (ExAC no frequency). This sequence change falls in intron 18 of the TCF3 gene. It does not directly change the encoded amino acid sequence of the TCF3 protein. It affects a nucleotide within the consensus splice site of the intron.

Literature cited by the submitters: PubMed 17576681; PubMed 9536098.

NM_003200.5(TCF3):c.1822+5G>C

Gene: TCF3 (transcription factor 3; minus strand). Cytogenetic location: 19p13.3.
Variant type: single nucleotide variant.
Coding change: c.1822+5G>C on transcript NM_003200.5 (MANE Select); 5 bases into the intron after coding-DNA position 1822, G replaced by C.
Molecular consequence: intron variant.
Genome position (GRCh38, 1-based): chr19:1,615,280, C>G on the plus strand (G>C on the coding strand, the complement: TCF3 is on the minus strand). VCF-style: chr19-1615280-C-G. GRCh37 (hg19) VCF-style: chr19-1615279-C-G.
Other names: c.1586+406G>C (NM_001351779.2, NM_001136139.4); c.1819+5G>C (NM_001351778.2).
Identifiers: ClinVar variation 1367095 (VCV001367095.8), dbSNP rs2145848551, ClinGen allele CA2573155803.
Genomic context (GRCh38, chr19:1,615,280, plus strand): 5'-ACGAGGGCAGGAACACGAGGGAGGGTGGCGCTGCAGGGACGCTGGTGGCCCGCGCCCCCA[C>G]TGACCTCGCACTTGCTGCTCCAAGTTCAGGATGACCGAGACAGCCTGGTGCAGGATGAGC-3'